The following is an entry in ClinVar:

ClinVar aggregate classification (germline): Uncertain significance (1 of 4 stars; one submission).

Conditions:
Inborn genetic diseases. Identifiers: MedGen C0950123, MeSH D030342.

gnomAD v4.1: 1 of 1,614,118 alleles (0.000062%); highest among the groups gnomAD compares: Non-Finnish European, 0.000085%; no homozygotes.

Submission:

Ambry Genetics
Classification: Uncertain significance for Inborn genetic diseases. Last evaluated: 2025-05-02. Review status: criteria provided, single submitter. Criteria: Ambry Variant Classification Scheme 2023. Collection method: clinical testing. Allele origin: germline.
Comment: The p.G642D variant (also known as c.1925G>A), located in coding exon 18 of the ANKRD26 gene, results from a G to A substitution at nucleotide position 1925. The glycine at codon 642 is replaced by aspartic acid, an amino acid with similar properties. This amino acid position is conserved. In addition, this alteration is predicted to be tolerated by in silico analysis. Based on the available evidence, the clinical significance of this variant remains unclear.

NM_014915.3(ANKRD26):c.1925G>A (p.Gly642Asp)

Gene: ANKRD26 (ankyrin repeat domain containing 26; minus strand). Cytogenetic location: 10p12.1.
Variant type: single nucleotide variant.
Coding change: c.1925G>A on transcript NM_014915.3 (MANE Select); coding-DNA position 1925, G replaced by A.
Protein change: p.Gly642Asp; replaces glycine 642 with aspartic acid.
Molecular consequence: missense variant.
Genome position (GRCh38, 1-based): chr10:27,046,413, C>T on the plus strand (G>A on the coding strand, the complement: ANKRD26 is on the minus strand). VCF-style: chr10-27046413-C-T. GRCh37 (hg19) VCF-style: chr10-27335342-C-T.
Other names: c.1922G>A, p.Gly641Asp (NM_001256053.2); short protein forms G641D, G642D.
Identifiers: ClinVar variation 3914081 (VCV003914081.1).
Genomic context (GRCh38, chr10:27,046,413, plus strand): 5'-CTTCCTTCATCCTCATCTATTTCACTTAAACTGCTGTCATCATCCACTTGTAGCAGGCCA[C>T]CAGTTAGTAAACTGGCCTTCCCAAACACTGGTGAATTCACAGATTCTTTCGAGGTCCGTT-3'
Protein context (NP_055730.2, residues 632-652): PVFGKASLLT[Gly642Asp]GLLQVDDDSS